The following is an entry in ClinVar:

NM_000051.4(ATM):c.5736del (p.Val1913fs)

Gene: ATM (ATM serine/threonine kinase; plus strand). Cytogenetic location: 11q22.3.
Variant type: Deletion.
Coding change: c.5736del on transcript NM_000051.4 (MANE Select); coding-DNA position 5736, one base deleted (T; older notation c.5736delT).
Protein change: p.Val1913fs; shifts the reading frame from valine 1913.
Molecular consequence: frameshift variant.
Genome position (GRCh38, 1-based): chr11:108,307,958, T deleted; the last of 2 consecutive T bases (chr11:108,307,957-108,307,958); deleting either gives the same sequence. VCF-style (leftmost placement, unchanged base first): chr11-108307956-GT-G. GRCh37 (hg19) VCF-style: chr11-108178683-GT-G.
Other names: c.5736del, p.Val1913fs (NM_001351834.2); short protein forms V1913fs.
Identifiers: ClinVar variation 3148376 (VCV003148376.1), dbSNP rs2135977494, ClinGen allele CA2825001918.
Genomic context (GRCh38, chr11:108,307,956, plus strand): 5'-GAGTCAGAGCACTTTTTCCGATGCTGTTTGGATAAAAAATCACAAAGAACAATGCTTGCT[GT>G]TGTGGACTACATGAGAAGACAAAAGAGGTAATGTAATGAGTGTTGCTTCTTACGTTTAGG-3'

ClinVar aggregate classification (germline): Pathogenic (1 of 4 stars; one submission).

Conditions:
Familial cancer of breast. Also called: BREAST CANCER, FAMILIAL; Hereditary breast cancer; hereditary breast carcinoma. Identifiers: Orphanet 227535, MedGen C0346153, MONDO:0016419, OMIM 114480. Disease mechanism: loss of function.

Submission:

Myriad Genetics, Inc.
Classification: Pathogenic for Familial cancer of breast. Last evaluated: 2024-01-25. Review status: criteria provided, single submitter. Criteria: Myriad Autosomal Dominant, Autosomal Recessive and X-Linked Classification Criteria (2023). Collection method: clinical testing. Allele origin: unknown.
Comment: This variant is considered pathogenic. This variant creates a frameshift predicted to result in premature protein truncation.